The following is an entry in ClinVar:

NM_001267550.2(TTN):c.76493C>T (p.Pro25498Leu)

Genes: TTN (titin; minus strand), TTN-AS1 (TTN antisense RNA 1; plus strand). Cytogenetic location: 2q31.2.
Variant type: single nucleotide variant.
Coding change: c.76493C>T on transcript NM_001267550.2 (MANE Select); coding-DNA position 76493, C replaced by T.
Protein change: p.Pro25498Leu; replaces proline 25498 with leucine.
Molecular consequence: missense variant.
Genome position (GRCh38, 1-based): chr2:178,569,639, G>A on the plus strand (C>T on the coding strand, the complement: TTN is on the minus strand). VCF-style: chr2-178569639-G-A. GRCh37 (hg19) VCF-style: chr2-179434366-G-A.
Other names: c.71570C>T, p.Pro23857Leu (NM_001256850.1); c.49298C>T, p.Pro16433Leu (NM_003319.4); c.68789C>T, p.Pro22930Leu (NM_133378.4); c.49673C>T, p.Pro16558Leu (NM_133432.3); c.49874C>T, p.Pro16625Leu (NM_133437.4); short protein forms P16433L, P16558L, P16625L, P22930L, P23857L, P25498L.
Identifiers: ClinVar variation 2437716 (VCV002437716.4), dbSNP rs374426354, ClinGen allele CA1989901.

ClinVar aggregate classification (germline): Uncertain significance. Review status: criteria provided, multiple submitters, no conflicts (2 of 4 stars). 2 submissions from 2 submitters: Uncertain significance (2). Last evaluated 2025-12-23.

Conditions:
TTN-related disorder. Also called: TTN-related condition; TTN-related disease; TTN-related disorders.

Allele frequency attached by ClinVar (database versions not stated): ExAC 0.00001; gnomAD 0.00001; TOPMed 0.00001; ESP Exome Variant Server 0.00008.
gnomAD v4.1: 23 of 1,611,822 alleles (0.0014%); highest among the groups gnomAD compares: Non-Finnish European, 0.0019%; no homozygotes.

Submissions (2):

PreventionGenetics, part of Exact Sciences
Classification: Uncertain significance for TTN-related condition. Last evaluated: 2025-12-23. Review status: criteria provided, single submitter. Criteria: ACMG Guidelines, 2015. Collection method: clinical testing. Allele origin: germline.
Comment: The TTN c.76493C>T variant is predicted to result in the amino acid substitution p.Pro25498Leu. To our knowledge, this variant has not been reported in the literature. This variant is reported in 0.0029% of alleles in individuals of Latino descent in gnomAD. At this time, the clinical significance of this variant is uncertain due to the absence of conclusive functional and genetic evidence.

Revvity Omics, Revvity
Classification: Uncertain significance. Last evaluated: 2021-02-18. Review status: criteria provided, single submitter. Criteria: ACMG Guidelines, 2015. Collection method: clinical testing. Allele origin: germline.